The following is an entry in ClinVar:

NM_002691.4(POLD1):c.373C>T (p.Leu125Phe)

Gene: POLD1 (DNA polymerase delta 1, catalytic subunit; plus strand). Cytogenetic location: 19q13.33.
Variant type: single nucleotide variant.
Coding change: c.373C>T on transcript NM_002691.4 (MANE Select); coding-DNA position 373, C replaced by T.
Protein change: p.Leu125Phe; replaces leucine 125 with phenylalanine.
Molecular consequence: missense variant. On other transcripts: non-coding transcript variant (1).
Genome position (GRCh38, 1-based): chr19:50,401,834, C>T. VCF-style: chr19-50401834-C-T. GRCh37 (hg19) VCF-style: chr19-50905091-C-T.
Other names: c.373C>T, p.Leu125Phe (NM_001438211.1, NM_001438212.1, NM_001438213.1 and 3 more transcripts); short protein forms L125F.
Identifiers: ClinVar variation 4140978 (VCV004140978.1).
Genomic context (GRCh38, chr19:50,401,834, plus strand): 5'-ACAGGCCCAGCGCAGCCTGTGCCTGGGGGGCCCCCACCATCCCGCGGCTCCGTGCCTGTG[C>T]TCCGCGCCTTCGGGGTCACCGATGAGGGGTTCTCTGTCTGCTGCCACATCCACGGCTTCG-3'
Protein context (NP_002682.2, residues 115-135): PPPSRGSVPV[Leu125Phe]RAFGVTDEGF

ClinVar aggregate classification (germline): Uncertain significance (1 of 4 stars; one submission).

Conditions:
Hereditary cancer-predisposing syndrome. Also called: Hereditary neoplastic syndrome; Neoplastic Syndromes, Hereditary; Tumor predisposition; Hereditary Cancer Syndrome. Identifiers: Orphanet 140162, MedGen C0027672, MeSH D009386, MONDO:0015356.

Submission:

Ambry Genetics
Classification: Uncertain significance for Hereditary cancer-predisposing syndrome. Last evaluated: 2025-07-15. Review status: criteria provided, single submitter. Criteria: Ambry Variant Classification Scheme 2023. Collection method: clinical testing. Allele origin: germline.
Comment: The p.L125F variant (also known as c.373C>T), located in coding exon 3 of the POLD1 gene, results from a C to T substitution at nucleotide position 373. The leucine at codon 125 is replaced by phenylalanine, an amino acid with highly similar properties. This amino acid position is conserved. In addition, this alteration is predicted to be tolerated by in silico analysis. Based on the available evidence, the clinical significance of this variant remains unclear.